The following is an entry in ClinVar:

ClinVar aggregate classification (germline): Uncertain significance (1 of 4 stars; one submission).

Submission:

GeneDx
Classification: Uncertain significance. Last evaluated: 2019-10-25. Review status: criteria provided, single submitter. Criteria: GeneDx Variant Classification Process June 2021. Collection method: clinical testing. Allele origin: germline. Affected: yes.
Comment: Not observed in large population cohorts (Lek et al., 2016); In silico analysis, which includes protein predictors and evolutionary conservation, supports a deleterious effect; Has not been previously published as pathogenic or benign to our knowledge

NM_001035.3(RYR2):c.14666T>A (p.Phe4889Tyr)

Gene: RYR2 (ryanodine receptor 2; plus strand). Cytogenetic location: 1q43.
Variant type: single nucleotide variant.
Coding change: c.14666T>A on transcript NM_001035.3 (MANE Select); coding-DNA position 14666, T replaced by A.
Protein change: p.Phe4889Tyr; replaces phenylalanine 4889 with tyrosine.
Molecular consequence: missense variant.
Genome position (GRCh38, 1-based): chr1:237,830,540, T>A. VCF-style: chr1-237830540-T-A. GRCh37 (hg19) VCF-style: chr1-237993840-T-A.
Other names: short protein forms F4889Y.
Identifiers: ClinVar variation 1315788 (VCV001315788.2), dbSNP rs2102946725, ClinGen allele CA345409651.